The following is an entry in ClinVar:

NM_001060.6(TBXA2R):c.176C>T (p.Thr59Met)

Gene: TBXA2R (thromboxane A2 receptor; minus strand). Cytogenetic location: 19p13.3.
Variant type: single nucleotide variant.
Coding change: c.176C>T on transcript NM_001060.6 (MANE Select); coding-DNA position 176, C replaced by T.
Protein change: p.Thr59Met; replaces threonine 59 with methionine.
Molecular consequence: missense variant.
Genome position (GRCh38, 1-based): chr19:3,600,459, G>A on the plus strand (C>T on the coding strand, the complement: TBXA2R is on the minus strand). VCF-style: chr19-3600459-G-A. GRCh37 (hg19) VCF-style: chr19-3600457-G-A.
Other names: c.176C>T, p.Thr59Met (NM_201636.3); short protein forms T59M.
Identifiers: ClinVar variation 4982593 (VCV004982593.1).

ClinVar aggregate classification (germline): Uncertain significance (1 of 4 stars; one submission).

Conditions:
TBXA2R-related disorder. Also called: TBXA2R-related condition.

Submission:

PreventionGenetics, part of Exact Sciences
Classification: Uncertain significance for TBXA2R-related condition. Last evaluated: 2025-02-03. Review status: criteria provided, single submitter. Criteria: ACMG Guidelines, 2015. Collection method: clinical testing. Allele origin: germline.
Comment: The TBXA2R c.176C>T variant is predicted to result in the amino acid substitution p.Thr59Met. To our knowledge, this variant has not been reported in the literature. This variant is reported in 0.0065% of alleles in individuals of European (Non-Finnish) descent in gnomAD. At this time, the clinical significance of this variant is uncertain due to the absence of conclusive functional and genetic evidence.